The following is an entry in ClinVar:

ClinVar aggregate classification (germline): Uncertain significance (1 of 4 stars; one submission).

Submission:

Labcorp Genetics (formerly Invitae), Labcorp
Classification: Uncertain significance. Last evaluated: 2023-02-18. Review status: criteria provided, single submitter. Criteria: Invitae Variant Classification Sherloc (09022015). Collection method: clinical testing. Allele origin: germline.
Comment: In summary, the available evidence is currently insufficient to determine the role of this variant in disease. Therefore, it has been classified as a Variant of Uncertain Significance. Algorithms developed to predict the effect of sequence changes on RNA splicing suggest that this variant may create or strengthen a splice site. An algorithm developed to predict the effect of missense changes on protein structure and function (PolyPhen-2) suggests that this variant is likely to be tolerated. This variant has not been reported in the literature in individuals affected with PPP2R1A-related conditions. This variant is not present in population databases (gnomAD no frequency). This sequence change replaces leucine, which is neutral and non-polar, with valine, which is neutral and non-polar, at codon 73 of the PPP2R1A protein (p.Leu73Val).

NM_014225.6(PPP2R1A):c.217C>G (p.Leu73Val)

Gene: PPP2R1A (protein phosphatase 2 scaffold subunit Aalpha; plus strand). Cytogenetic location: 19q13.41.
Variant type: single nucleotide variant.
Coding change: c.217C>G on transcript NM_014225.6 (MANE Select); coding-DNA position 217, C replaced by G.
Protein change: p.Leu73Val; replaces leucine 73 with valine.
Molecular consequence: missense variant. On other transcripts: 5 prime UTR variant (1).
Genome position (GRCh38, 1-based): chr19:52,206,010, C>G. VCF-style: chr19-52206010-C-G. GRCh37 (hg19) VCF-style: chr19-52709263-C-G.
Other names: c.-321C>G (NM_001363656.2); short protein forms L73V.
Identifiers: ClinVar variation 2838938 (VCV002838938.3), dbSNP rs2089597787, ClinGen allele CA407181036.